The following is an entry in ClinVar:

ClinVar aggregate classification (germline): Uncertain significance (1 of 4 stars; one submission).

Submission:

Ambry Genetics
Classification: Uncertain significance. Last evaluated: 2025-09-22. Review status: criteria provided, single submitter. Criteria: Ambry Variant Classification Scheme 2023. Collection method: clinical testing. Allele origin: germline.
Comment: The p.A1492S variant (also known as c.4474G>T), located in coding exon 19 of the WNK2 gene, results from a G to T substitution at nucleotide position 4474. The alanine at codon 1492 is replaced by serine, an amino acid with similar properties. This amino acid position is conserved. In addition, this alteration is predicted to be tolerated by in silico analysis. Based on the available evidence, the clinical significance of this variant remains unclear.

NM_006648.4(WNK2):c.4474G>T (p.Ala1492Ser)

Gene: WNK2 (WNK lysine deficient protein kinase 2; plus strand). Cytogenetic location: 9q22.31.
Variant type: single nucleotide variant.
Coding change: c.4474G>T on transcript NM_006648.4 (MANE Select); coding-DNA position 4474, G replaced by T.
Protein change: p.Ala1492Ser; replaces alanine 1492 with serine.
Molecular consequence: missense variant.
Genome position (GRCh38, 1-based): chr9:93,289,228, G>T. VCF-style: chr9-93289228-G-T. GRCh37 (hg19) VCF-style: chr9-96051510-G-T.
Other names: c.4585G>T, p.Ala1529Ser (NM_001282394.3); short protein forms A1529S, A1492S.
Identifiers: ClinVar variation 4605179 (VCV004605179.1).